The following is an entry in ClinVar:

ClinVar aggregate classification (germline): Likely benign (1 of 4 stars; one submission).

Conditions:
Hereditary breast ovarian cancer syndrome. Also called: Hereditary breast and/or ovarian cancer syndrome; BRCA1- and BRCA2-Associated Hereditary Breast and Ovarian Cancer; Hereditary breast and ovarian cancer syndrome; Hereditary breast and ovarian cancer; Hereditary breast and ovarian cancer syndrome (HBOC); Breast and ovarian cancer. Identifiers: Orphanet 145, MedGen C0677776, MeSH D061325, MONDO:0003582. Disease mechanism: loss of function.

gnomAD v4.1: 1 of 1,610,954 alleles (0.000062%); highest among the groups gnomAD compares: South Asian, 0.0011%; no homozygotes.

Submissions (2):

Labcorp Genetics (formerly Invitae), Labcorp
Classification: Likely benign for Hereditary breast ovarian cancer syndrome. Last evaluated: 2025-07-31. Review status: criteria provided, single submitter. Criteria: Invitae Variant Classification Sherloc (09022015). Collection method: clinical testing. Allele origin: germline.

Brotman Baty Institute, University of Washington
No classification provided (evidence only). Condition: Breast-ovarian cancer, familial 1. Review status: no classification provided. Collection method: in vitro. Allele origin: not applicable. Functional consequence: function_uncertain_variant. Not counted in ClinVar's aggregate classification.
ClinVar note: "not provided" was previously submitted as the classification for the variant. However, the classification appeared to be based only on an observation of functional data so it was converted to no classification on 2025-07-30.

NM_007294.4(BRCA1):c.301+7G>T

Gene: BRCA1 (BRCA1 DNA repair associated; minus strand). Cytogenetic location: 17q21.31.
Variant type: single nucleotide variant.
Coding change: c.301+7G>T on transcript NM_007294.4 (MANE Select); 7 bases into the intron after coding-DNA position 301, G replaced by T.
Molecular consequence: intron variant.
Genome position (GRCh38, 1-based): chr17:43,104,861, C>A on the plus strand (G>T on the coding strand, the complement: BRCA1 is on the minus strand). VCF-style: chr17-43104861-C-A. GRCh37 (hg19) VCF-style: chr17-41256878-C-A.
Other names: c.160+7G>T (NM_001408458.1, NM_001407931.1, NM_001407747.1 and 99 more transcripts); c.-218-10001G>T (NM_001407967.1, NM_001407966.1); c.-81+7G>T (NM_001407959.1, NM_001407962.1, NM_001408512.1 and 4 more transcripts); c.91+7G>T (NM_001407885.1, NM_001407886.1, NM_001407898.1 and 58 more transcripts); c.301+7G>T (NM_001407686.1, NM_001408397.1, NM_001407632.1 and 164 more transcripts); c.169+7G>T (NM_001408451.1); c.223+7G>T (NM_001408475.1, NM_001407875.1, NM_001407659.1 and 21 more transcripts); c.292+16G>T (NM_001408408.1, NM_001407647.1, NM_001407646.1).
Identifiers: ClinVar variation 865652 (VCV000865652.4), dbSNP rs80358113, ClinGen allele CA916080805.